The following is an entry in ClinVar:

ClinVar aggregate classification (germline): Pathogenic (1 of 4 stars; one submission).

Submission:

GeneDx
Classification: Pathogenic. Last evaluated: 2025-03-04. Review status: criteria provided, single submitter. Criteria: GeneDx Variant Classification Process June 2021. Collection method: clinical testing. Allele origin: germline.
Comment: Not observed at significant frequency in large population cohorts (gnomAD); In silico analysis supports that this missense variant has a deleterious effect on protein structure/function; Has not been previously published as pathogenic or benign to our knowledge

NM_001961.4(EEF2):c.328G>A (p.Asp110Asn)

Gene: EEF2 (eukaryotic translation elongation factor 2; minus strand). Cytogenetic location: 19p13.3.
Variant type: single nucleotide variant.
Coding change: c.328G>A on transcript NM_001961.4 (MANE Select); coding-DNA position 328, G replaced by A.
Protein change: p.Asp110Asn; replaces aspartic acid 110 with asparagine.
Molecular consequence: missense variant.
Genome position (GRCh38, 1-based): chr19:3,983,182, C>T on the plus strand (G>A on the coding strand, the complement: EEF2 is on the minus strand). VCF-style: chr19-3983182-C-T. GRCh37 (hg19) VCF-style: chr19-3983180-C-T.
Other names: short protein forms D110N.
Identifiers: ClinVar variation 3361085 (VCV003361085.2).
Genomic context (GRCh38, chr19:3,983,182, plus strand): 5'-CCACCACCACCAATGCGCCATCGGTGACTCGGAGGGCAGCAGTCACCTCCGAGGAGAAGT[C>T]GACATGCCCGGGGGAGTCAATGAGGTTGATGAGGAAGCCGGCACCGTCCTTGCTCTGCTT-3'
Protein context (NP_001952.1, residues 100-120): INLIDSPGHV[Asp110Asn]FSSEVTAALR